The following is an entry in ClinVar:

NM_000321.3(RB1):c.1871C>T (p.Ser624Phe)

Gene: RB1 (RB transcriptional corepressor 1; plus strand). Cytogenetic location: 13q14.2.
Variant type: single nucleotide variant.
Coding change: c.1871C>T on transcript NM_000321.3 (MANE Select); coding-DNA position 1871, C replaced by T.
Protein change: p.Ser624Phe; replaces serine 624 with phenylalanine.
Molecular consequence: missense variant.
Genome position (GRCh38, 1-based): chr13:48,456,260, C>T. VCF-style: chr13-48456260-C-T. GRCh37 (hg19) VCF-style: chr13-49030396-C-T.
Other names: c.1871C>T, p.Ser624Phe (NM_001407165.1); short protein forms S624F.
Identifiers: ClinVar variation 4544210 (VCV004544210.1).

ClinVar aggregate classification (germline): Uncertain significance (1 of 4 stars; one submission).

Conditions:
Hereditary cancer-predisposing syndrome. Also called: Tumor predisposition; Hereditary Cancer Syndrome; Hereditary neoplastic syndrome; Neoplastic Syndromes, Hereditary. Identifiers: Orphanet 140162, MedGen C0027672, MeSH D009386, MONDO:0015356.

Submission:

Ambry Genetics
Classification: Uncertain significance for Hereditary cancer-predisposing syndrome. Last evaluated: 2025-11-10. Review status: criteria provided, single submitter. Criteria: Ambry Variant Classification Scheme 2023. Collection method: clinical testing. Allele origin: germline.
Comment: The p.S624F variant (also known as c.1871C>T), located in coding exon 19 of the RB1 gene, results from a C to T substitution at nucleotide position 1871. The serine at codon 624 is replaced by phenylalanine, an amino acid with highly dissimilar properties. This amino acid position is conserved. In addition, the in silico prediction for this alteration is inconclusive. Based on the available evidence, the clinical significance of this variant remains unclear.